The following is an entry in ClinVar:

NM_001792.5(CDH2):c.1619C>G (p.Pro540Arg)

Gene: CDH2 (cadherin 2; minus strand). Cytogenetic location: 18q12.1.
Variant type: single nucleotide variant.
Coding change: c.1619C>G on transcript NM_001792.5 (MANE Select); coding-DNA position 1619, C replaced by G.
Protein change: p.Pro540Arg; replaces proline 540 with arginine.
Molecular consequence: missense variant.
Genome position (GRCh38, 1-based): chr18:27,988,646, G>C on the plus strand (C>G on the coding strand, the complement: CDH2 is on the minus strand). VCF-style: chr18-27988646-G-C. GRCh37 (hg19) VCF-style: chr18-25568610-G-C.
Other names: c.1526C>G, p.Pro509Arg (NM_001308176.2); short protein forms P540R, P509R.
Identifiers: ClinVar variation 3726120 (VCV003726120.2).
Genomic context (GRCh38, chr18:27,988,646, plus strand): 5'-TCCAAAACAGCAATTGTAGTTATTTGTCCATTCACAGGATCTATTTTTAGCCAATTGGCA[G>C]GATCAGATAATTTAGTGTATCTACAAAATGAAAGTGAAGTTTAATTTCTTTTTATGAAAC-3'
Protein context (NP_001783.2, residues 530-550): QNIRYTKLSD[Pro540Arg]ANWLKIDPVN

ClinVar aggregate classification (germline): Uncertain significance (1 of 4 stars; one submission).

Submission:

Labcorp Genetics (formerly Invitae), Labcorp
Classification: Uncertain significance. Last evaluated: 2024-12-31. Review status: criteria provided, single submitter. Criteria: Invitae Variant Classification Sherloc (09022015). Collection method: clinical testing. Allele origin: germline.
Comment: This sequence change replaces proline, which is neutral and non-polar, with arginine, which is basic and polar, at codon 540 of the CDH2 protein (p.Pro540Arg). This variant is not present in population databases (gnomAD no frequency). This variant has not been reported in the literature in individuals affected with CDH2-related conditions. An algorithm developed to predict the effect of missense changes on protein structure and function (PolyPhen-2) suggests that this variant is likely to be disruptive. In summary, the available evidence is currently insufficient to determine the role of this variant in disease. Therefore, it has been classified as a Variant of Uncertain Significance.